The following is an entry in ClinVar:

ClinVar aggregate classification (germline): Likely benign (1 of 4 stars; one submission).

Submission:

CeGaT Center for Human Genetics Tuebingen
Classification: Likely benign. Last evaluated: 2026-01-01. Review status: criteria provided, single submitter. Criteria: CeGaT Center For Human Genetics Tuebingen Variant Classification Criteria Version 2. Collection method: clinical testing. Allele origin: germline. Affected: yes. Observed: 1 variant allele.
Comment: MSH3: PM2:Supporting, BP4, BP7

NM_002439.5(MSH3):c.1710A>C (p.Ser570=)

Gene: MSH3 (mutS homolog 3; plus strand). Cytogenetic location: 5q14.1.
Variant type: single nucleotide variant.
Coding change: c.1710A>C on transcript NM_002439.5 (MANE Select); coding-DNA position 1710, A replaced by C.
Protein change: p.Ser570=; no amino-acid change (serine 570 retained).
Molecular consequence: synonymous variant.
Genome position (GRCh38, 1-based): chr5:80,744,562, A>C. VCF-style: chr5-80744562-A-C. GRCh37 (hg19) VCF-style: chr5-80040381-A-C.
Identifiers: ClinVar variation 4821816 (VCV004821816.4).